The following is an entry in ClinVar:

NM_181078.3(IL21R):c.1001T>C (p.Leu334Pro)

Genes: IL21R (interleukin 21 receptor; plus strand), IL21R-AS1 (IL21R antisense RNA 1; minus strand), LOC130058712 (ATAC-STARR-seq lymphoblastoid active region 10626; plus strand). Cytogenetic location: 16p12.1.
Variant type: single nucleotide variant.
Coding change: c.1001T>C on transcript NM_181078.3 (MANE Select); coding-DNA position 1001, T replaced by C.
Protein change: p.Leu334Pro; replaces leucine 334 with proline.
Molecular consequence: missense variant. On other transcripts: non-coding transcript variant (1).
Genome position (GRCh38, 1-based): chr16:27,448,667, T>C. VCF-style: chr16-27448667-T-C. GRCh37 (hg19) VCF-style: chr16-27459988-T-C.
Other names: c.1001T>C, p.Leu334Pro (NM_021798.4); c.1067T>C, p.Leu356Pro (NM_181079.5); short protein forms L356P, L334P.
Identifiers: ClinVar variation 2000249 (VCV002000249.4), dbSNP rs780410948, ClinGen allele CA279702010.

ClinVar aggregate classification (germline): Uncertain significance (1 of 4 stars; one submission).

Conditions:
Cryptosporidiosis-chronic cholangitis-liver disease syndrome. Also called: IL21R immunodeficiency; Immunodeficiency type 56. Identifiers: Orphanet 357329, MedGen C3554687, MONDO:0014082, OMIM 615207.

Allele frequency attached by ClinVar (database versions not stated): gnomAD exomes 0.00001.
gnomAD v4.1: 10 of 1,613,112 alleles (0.00062%); highest among the groups gnomAD compares: Non-Finnish European, 0.00085%; no homozygotes.

Submission:

Labcorp Genetics (formerly Invitae), Labcorp
Classification: Uncertain significance for Cryptosporidiosis-chronic cholangitis-liver disease syndrome. Last evaluated: 2023-06-23. Review status: criteria provided, single submitter. Criteria: Invitae Variant Classification Sherloc (09022015). Collection method: clinical testing. Allele origin: germline.
Comment: This sequence change replaces leucine, which is neutral and non-polar, with proline, which is neutral and non-polar, at codon 334 of the IL21R protein (p.Leu334Pro). This variant is present in population databases (rs780410948, gnomAD 0.0009%). This variant has not been reported in the literature in individuals affected with IL21R-related conditions. ClinVar contains an entry for this variant (Variation ID: 2000249). Advanced modeling of protein sequence and biophysical properties (such as structural, functional, and spatial information, amino acid conservation, physicochemical variation, residue mobility, and thermodynamic stability) performed at Invitae indicates that this missense variant is not expected to disrupt IL21R protein function. In summary, the available evidence is currently insufficient to determine the role of this variant in disease. Therefore, it has been classified as a Variant of Uncertain Significance.